The following is an entry in ClinVar:

NM_006445.4(PRPF8):c.2801G>T (p.Arg934Leu)

Gene: PRPF8 (pre-mRNA processing factor 8; minus strand). Cytogenetic location: 17p13.3.
Variant type: single nucleotide variant.
Coding change: c.2801G>T on transcript NM_006445.4 (MANE Select); coding-DNA position 2801, G replaced by T.
Protein change: p.Arg934Leu; replaces arginine 934 with leucine.
Molecular consequence: missense variant.
Genome position (GRCh38, 1-based): chr17:1,675,691, C>A on the plus strand (G>T on the coding strand, the complement: PRPF8 is on the minus strand). VCF-style: chr17-1675691-C-A. GRCh37 (hg19) VCF-style: chr17-1578985-C-A.
Other names: short protein forms R934L.
Identifiers: ClinVar variation 1060144 (VCV001060144.5), dbSNP rs902856213, ClinGen allele CA397547851.

ClinVar aggregate classification (germline): Uncertain significance (1 of 4 stars; one submission).

Allele frequency attached by ClinVar (database versions not stated): gnomAD 0.00001.
gnomAD v4.1: 2 of 1,613,932 alleles (0.00012%); highest among the groups gnomAD compares: African/African-American, 0.0013%; no homozygotes.

Submission:

Labcorp Genetics (formerly Invitae), Labcorp
Classification: Uncertain significance. Last evaluated: 2024-10-23. Review status: criteria provided, single submitter. Criteria: Invitae Variant Classification Sherloc (09022015). Collection method: clinical testing. Allele origin: germline.
Comment: This sequence change replaces arginine, which is basic and polar, with leucine, which is neutral and non-polar, at codon 934 of the PRPF8 protein (p.Arg934Leu). This variant is not present in population databases (gnomAD no frequency). This missense change has been observed in individual(s) with clinical features of PRPF8-related conditions (internal data). ClinVar contains an entry for this variant (Variation ID: 1060144). Invitae Evidence Modeling of protein sequence and biophysical properties (such as structural, functional, and spatial information, amino acid conservation, physicochemical variation, residue mobility, and thermodynamic stability) indicates that this missense variant is not expected to disrupt PRPF8 protein function with a negative predictive value of 80%. In summary, the available evidence is currently insufficient to determine the role of this variant in disease. Therefore, it has been classified as a Variant of Uncertain Significance.